The following is an entry in ClinVar:

NM_001353694.2(TIAM1):c.4036G>A (p.Ala1346Thr)

Gene: TIAM1 (TIAM Rac1 associated GEF 1; minus strand). Cytogenetic location: 21q22.11.
Variant type: single nucleotide variant.
Coding change: c.4036G>A on transcript NM_001353694.2 (MANE Select); coding-DNA position 4036, G replaced by A.
Protein change: p.Ala1346Thr; replaces alanine 1346 with threonine.
Molecular consequence: missense variant.
Genome position (GRCh38, 1-based): chr21:31,130,222, C>T on the plus strand (G>A on the coding strand, the complement: TIAM1 is on the minus strand). VCF-style: chr21-31130222-C-T. GRCh37 (hg19) VCF-style: chr21-32502540-C-T.
Other names: c.1135G>A, p.Ala379Thr (NM_001353684.2); c.1060G>A, p.Ala354Thr (NM_001353685.2); c.3961G>A, p.Ala1321Thr (NM_001353686.2, NM_001353687.2); c.4036G>A, p.Ala1346Thr (NM_001353688.1, NM_001353689.1, NM_001353690.1 and 4 more transcripts); short protein forms A1321T, A1346T, A354T, A379T.
Identifiers: ClinVar variation 4822095 (VCV004822095.4).
Genomic context (GRCh38, chr21:31,130,222, plus strand): 5'-ACACACATCAGAAATATGTGTGTGAAATACCCAGCACAGGTGAGAGTTTACCTGCACTCG[C>T]CAAAGCTCGAACCTGCAGCGCTTCCGTGGGGATCATGTGTCGAAATCTGAAGGGGTCCCA-3'
Protein context (NP_001340623.1, residues 1336-1356): PTEALQVRAL[Ala1346Thr]SADAEANAVC

ClinVar aggregate classification (germline): Uncertain significance (1 of 4 stars; one submission).

gnomAD v4.1: 7 of 1,613,894 alleles (0.00043%); highest among the groups gnomAD compares: Non-Finnish European, 0.00059%; no homozygotes.

Submission:

CeGaT Center for Human Genetics Tuebingen
Classification: Uncertain significance. Last evaluated: 2026-01-01. Review status: criteria provided, single submitter. Criteria: CeGaT Center For Human Genetics Tuebingen Variant Classification Criteria Version 2. Collection method: clinical testing. Allele origin: germline. Affected: yes. Observed: 1 variant allele.
Comment: TIAM1: PM2